The following is an entry in ClinVar:

NM_014915.3(ANKRD26):c.1269+4C>T

Gene: ANKRD26 (ankyrin repeat domain 26; minus strand). Cytogenetic location: 10p12.1.
Variant type: single nucleotide variant.
Coding change: c.1269+4C>T on transcript NM_014915.3 (MANE Select); 4 bases into the intron after coding-DNA position 1269, C replaced by T.
Molecular consequence: intron variant.
Genome position (GRCh38, 1-based): chr10:27,066,483, G>A on the plus strand (C>T on the coding strand, the complement: ANKRD26 is on the minus strand). VCF-style: chr10-27066483-G-A. GRCh37 (hg19) VCF-style: chr10-27355412-G-A.
Other names: c.1269+4C>T (NM_001256053.2).
Identifiers: ClinVar variation 3624105 (VCV003624105.2).

ClinVar aggregate classification (germline): Uncertain significance (1 of 4 stars; one submission).

gnomAD v4.1: 1 of 1,576,962 alleles (0.000063%); highest among the groups gnomAD compares: African/African-American, 0.0013%; no homozygotes.

Submission:

Labcorp Genetics (formerly Invitae), Labcorp
Classification: Uncertain significance. Last evaluated: 2025-11-17. Review status: criteria provided, single submitter. Criteria: Invitae Variant Classification Sherloc (09022015). Collection method: clinical testing. Allele origin: germline.
Comment: This sequence change falls in intron 11 of the ANKRD26 gene. It does not directly change the encoded amino acid sequence of the ANKRD26 protein. It affects a nucleotide within the consensus splice site. This variant is present in population databases (rs374062716, gnomAD 0.02%). This variant has not been reported in the literature in individuals affected with ANKRD26-related conditions. ClinVar contains an entry for this variant (Variation ID: 3624105). Variants that disrupt the consensus splice site are a relatively common cause of aberrant splicing (PMID: 17576681, 9536098). Algorithms developed to predict the effect of sequence changes on RNA splicing suggest that this variant is not likely to affect RNA splicing. In summary, the available evidence is currently insufficient to determine the role of this variant in disease. Therefore, it has been classified as a Variant of Uncertain Significance.

Literature cited by the submitters: PubMed 17576681; PubMed 9536098.